The following is an entry in ClinVar:

NM_003242.6(TGFBR2):c.106A>G (p.Met36Val)

Gene: TGFBR2 (transforming growth factor beta receptor 2; plus strand). Cytogenetic location: 3p24.1.
Variant type: single nucleotide variant.
Coding change: c.106A>G on transcript NM_003242.6 (MANE Select); coding-DNA position 106, A replaced by G.
Protein change: p.Met36Val; replaces methionine 36 with valine.
Molecular consequence: missense variant.
Genome position (GRCh38, 1-based): chr3:30,644,758, A>G. VCF-style: chr3-30644758-A-G. GRCh37 (hg19) VCF-style: chr3-30686250-A-G.
Other names: c.181A>G, p.Met61Val (NM_001024847.3, NM_001407126.1, NM_001407139.1); c.106A>G, p.Met36Val (NM_001407127.1, NM_001407130.1); c.133A>G, p.Met45Val (NM_001407128.1); c.1A>G, p.Met1Val (NM_001407129.1, NM_001407132.1, NM_001407133.1 and 3 more transcripts); short protein forms M36V, M61V, M1V, M45V.
Identifiers: ClinVar variation 264100 (VCV000264100.34), dbSNP rs17025864, ClinGen allele CA045593.

ClinVar aggregate classification (germline): Likely benign. Review status: criteria provided, multiple submitters, no conflicts (2 of 4 stars). 12 submissions from 12 submitters: Likely benign (11). 1 of the submissions does not count toward it. Last evaluated 2025-12-11.

Conditions:
TGFBR2-related disorder. Also called: TGFBR2-related condition.
Diabetic retinopathy. Identifiers: MedGen C0011884, MONDO:0005266.
Familial thoracic aortic aneurysm and aortic dissection (TAAD). Also called: Thoracic aortic aneurysms and dissections. Identifiers: Orphanet 91387, MedGen C4707243, MONDO:0019625.
Loeys-Dietz syndrome 2 (LDS2). Also called: TGFBR2-Related Loeys-Dietz Syndrome; Marfan Syndrome type 2; Marfan like connective tissue disorder; MFS 2; Marfan syndrome, type 2 (formerly); AORTIC ANEURYSM, FAMILIAL THORACIC 3. Identifiers: Orphanet 284973, Orphanet 558, MedGen C2674574, MONDO:0012427, OMIM 610168.

Allele frequency attached by ClinVar (database versions not stated): gnomAD exomes 0.00006; 1000 Genomes Project 30x 0.00016; 1000 Genomes Project 0.00020; ExAC 0.00021; gnomAD 0.00082 and 0.00092; ESP Exome Variant Server 0.00092; TOPMed 0.00099.
gnomAD v4.1: 216 of 1,614,118 alleles (0.013%); highest among the groups gnomAD compares: African/African-American, 0.25%; 1 homozygote.

Submissions (12):

Labcorp Genetics (formerly Invitae), Labcorp
Classification: Likely benign for Familial thoracic aortic aneurysm and aortic dissection. Last evaluated: 2025-12-11. Review status: criteria provided, single submitter. Criteria: Invitae Variant Classification Sherloc (09022015). Collection method: clinical testing. Allele origin: germline.

All of Us Research Program, National Institutes of Health
Classification: Likely benign for Loeys-Dietz syndrome 2. Last evaluated: 2024-09-23. Review status: criteria provided, single submitter. Criteria: ACMG Guidelines, 2015. Collection method: clinical testing. Allele origin: germline. Inheritance: Autosomal dominant inheritance. Observed: 71 variant alleles, 71 heterozygotes.
Comment: This study involves interpretation of variants in research participants for the purpose of population health screening. Participant phenotype was not available at the time of variant classification. Additional details can be found in publication PMID: 35346344, PMCID: PMC8962531

Blueprint Genetics
Classification: Likely benign. Last evaluated: 2024-06-11. Review status: criteria provided, single submitter. Criteria: ACMG Guidelines, 2015. Collection method: clinical testing. Allele origin: germline.

Women's Health and Genetics/Laboratory Corporation of America, LabCorp
Classification: Likely benign. Last evaluated: 2023-08-10. Review status: criteria provided, single submitter. Criteria: LabCorp Variant Classification Summary - May 2015. Collection method: clinical testing. Allele origin: germline.

GeneDx
Classification: Likely benign. Last evaluated: 2021-03-02. Review status: criteria provided, single submitter. Criteria: GeneDx Variant Classification Process June 2021. Collection method: clinical testing. Allele origin: germline. Affected: yes.
Comment: This variant is associated with the following publications: (PMID: 25944730)

ARUP Laboratories, Molecular Genetics and Genomics, ARUP Laboratories
Classification: Likely benign. Last evaluated: 2019-02-28. Review status: criteria provided, single submitter. Criteria: ARUP Molecular Germline Variant Investigation Process. Collection method: clinical testing. Allele origin: germline.

Color Diagnostics, LLC DBA Color Health
Classification: Likely benign for Familial thoracic aortic aneurysm and aortic dissection. Last evaluated: 2018-12-06. Review status: criteria provided, single submitter. Criteria: ACMG Guidelines, 2015. Collection method: clinical testing. Allele origin: germline.

CHEO Genetics Diagnostic Laboratory, Children's Hospital of Eastern Ontario
Classification: Likely benign for Familial thoracic aortic aneurysm and aortic dissection. Last evaluated: 2017-09-07. Review status: criteria provided, single submitter. Criteria: ACMG Guidelines, 2015. Collection method: clinical testing. Allele origin: germline. Study: Canadian Open Genetics Repository.

Ambry Genetics
Classification: Likely benign for Familial thoracic aortic aneurysm and aortic dissection. Last evaluated: 2017-06-05. Review status: criteria provided, single submitter. Criteria: Ambry Variant Classification Scheme 2023. Collection method: clinical testing. Allele origin: germline.

Breakthrough Genomics
Classification: Likely benign. Review status: criteria provided, single submitter. Criteria: ACMG Guidelines, 2015. Collection method: not provided. Allele origin: germline. Inheritance: Autosomal dominant inheritance. Affected: yes.

Clinical Genomics, Uppaluri K&H Personalized Medicine Clinic
Classification: Likely benign for Diabetic retinopathy. Review status: criteria provided, single submitter. Criteria: K And H Uppaluri Personalized Medicine Clinic Variant Classification And Assertion Criteria Updated V 2. Collection method: research. Allele origin: unknown.
Comment: Potent mutations in TGFBR2 gene encodes the transforming growth factor that have been associated with angiogenesis and diabetic retinopathy. More clinical studies are needed for stronger association. However, more evidence is required to confer the association of this particular variant rs17025864 with diabetic retinopathy.

PreventionGenetics, part of Exact Sciences
Classification: Likely benign for TGFBR2-related condition. Last evaluated: 2021-12-29. Review status: no assertion criteria provided. Collection method: clinical testing. Allele origin: germline. Not counted in ClinVar's aggregate classification.
Comment: This variant is classified as likely benign based on ACMG/AMP sequence variant interpretation guidelines (Richards et al. 2015 PMID: 25741868, with internal and published modifications).

Literature cited by the submitters: PubMed 30222965 (cited by Clinical Genomics, Uppaluri K&H Personalized Medicine Clinic); PubMed 28162229 (cited by Clinical Genomics, Uppaluri K&H Personalized Medicine Clinic); PubMed 34572573 (cited by Clinical Genomics, Uppaluri K&H Personalized Medicine Clinic).